The following is an entry in ClinVar:

NM_003000.3(SDHB):c.65G>T (p.Cys22Phe)

Genes: SDHB (succinate dehydrogenase complex iron sulfur subunit B; minus strand), LOC129929542 (ATAC-STARR-seq lymphoblastoid active region 277; plus strand). Cytogenetic location: 1p36.13.
Variant type: single nucleotide variant.
Coding change: c.65G>T on transcript NM_003000.3 (MANE Select); coding-DNA position 65, G replaced by T.
Protein change: p.Cys22Phe; replaces cysteine 22 with phenylalanine.
Molecular consequence: missense variant.
Genome position (GRCh38, 1-based): chr1:17,053,955, C>A on the plus strand (G>T on the coding strand, the complement: SDHB is on the minus strand). VCF-style: chr1-17053955-C-A. GRCh37 (hg19) VCF-style: chr1-17380450-C-A.
Other names: short protein forms C22F.
Identifiers: ClinVar variation 459163 (VCV000459163.23), dbSNP rs141230910, ClinGen allele CA18612401.

ClinVar aggregate classification (germline): Uncertain significance. Review status: criteria provided, multiple submitters, no conflicts (2 of 4 stars). 9 submissions from 8 submitters: Uncertain significance (9). Last evaluated 2026-07-29.

Conditions:
Pheochromocytoma/paraganglioma syndrome 4. Also called: PARAGANGLIOMA, FAMILIAL MALIGNANT; PARAGANGLIOMAS, HEREDITARY EXTRAADRENAL; PHEOCHROMOCYTOMA, FAMILIAL EXTRAADRENAL; SDHB-Related Hereditary Paraganglioma-Pheochromocytoma Syndrome (Paragangliomas 4); Paragangliomas 4; CAROTID BODY TUMORS AND MULTIPLE EXTRAADRENAL PHEOCHROMOCYTOMAS. Identifiers: Orphanet 29072, MedGen C1861848, MONDO:0007273, OMIM 115310.
Carney-Stratakis syndrome. Also called: PARAGANGLIOMA AND GASTROINTESTINAL STROMAL TUMOR. Identifiers: Orphanet 97286, MedGen C1847319, MONDO:0011740, OMIM 606864.
Gastrointestinal stromal tumor. Also called: Gastrointestinal stromal tumor, somatic; Gastrointestinal stroma tumor. Identifiers: Orphanet 44890, MedGen C0238198, MeSH D046152, MONDO:0011719, OMIM 606764, HP:0100723.
Mitochondrial complex 2 deficiency, nuclear type 4. Also called: MITOCHONDRIAL COMPLEX II DEFICIENCY, NUCLEAR TYPE 4. Identifiers: MedGen C5543176, MONDO:0030974, OMIM 619224.
Pheochromocytoma. Also called: MAX-Related Hereditary Paraganglioma-Pheochromocytoma Syndrome. Identifiers: Orphanet 29072, MedGen C0031511, MONDO:0008233, OMIM 171300, HP:0002666.
SDHB-related disorder. Also called: SDHB-related condition; SDHB-related disorders. Identifiers: MedGen CN239418.
Hereditary cancer-predisposing syndrome. Also called: Tumor predisposition; Hereditary neoplastic syndrome; Neoplastic Syndromes, Hereditary; Hereditary Cancer Syndrome. Identifiers: Orphanet 140162, MedGen C0027672, MeSH D009386, MONDO:0015356.
Hereditary pheochromocytoma and paraganglioma. Also called: Hereditary pheochromocytoma-paraganglioma; Hereditary Paraganglioma-Pheochromocytoma Syndromes; Hereditary paragangliomas and pheochromocytomas. Identifiers: Orphanet 29072, MedGen C4274332, MONDO:0017366.

Submissions (9):

PreventionGenetics, part of Exact Sciences
Classification: Uncertain significance for SDHB-related condition. Last evaluated: 2026-07-29. Review status: criteria provided, single submitter. Criteria: ACMG Guidelines, 2015. Collection method: clinical testing. Allele origin: germline.
Comment: The SDHB c.65G>T variant is predicted to result in the amino acid substitution p.Cys22Phe. This variant was reported in an individual without a personal or family history of pheochromocytoma/paraganglioma (Table S2, Garrett et al. 2022. PubMed ID: 34906457). This variant is reported in 0.0033% of alleles in individuals of South Asian descent in gnomAD. This variant is interpreted as uncertain in ClinVar (Variation ID: 459163). At this time, the clinical significance of this variant is uncertain due to the absence of conclusive functional and genetic evidence.

Labcorp Genetics (formerly Invitae), Labcorp
Classification: Uncertain significance for Gastrointestinal stromal tumor; Pheochromocytoma/paraganglioma syndrome 4; Pheochromocytoma. Last evaluated: 2025-12-19. Review status: criteria provided, single submitter. Criteria: Invitae Variant Classification Sherloc (09022015). Collection method: clinical testing. Allele origin: germline.
Comment: This sequence change replaces cysteine, which is neutral and slightly polar, with phenylalanine, which is neutral and non-polar, at codon 22 of the SDHB protein (p.Cys22Phe). The frequency data for this variant in the population databases is considered unreliable, as metrics indicate poor data quality at this position in the gnomAD database. This missense change has been observed in individual(s) with SDHB-related conditions (PMID: 34906457). ClinVar contains an entry for this variant (Variation ID: 459163). Invitae Evidence Modeling of protein sequence and biophysical properties (such as structural, functional, and spatial information, amino acid conservation, physicochemical variation, residue mobility, and thermodynamic stability) indicates that this missense variant is not expected to disrupt SDHB protein function with a negative predictive value of 95%. In summary, the available evidence is currently insufficient to determine the role of this variant in disease. Therefore, it has been classified as a Variant of Uncertain Significance.

Ambry Genetics
Classification: Uncertain significance for Hereditary cancer-predisposing syndrome. Last evaluated: 2024-12-10. Review status: criteria provided, single submitter. Criteria: Ambry Variant Classification Scheme 2023. Collection method: clinical testing. Allele origin: germline.
Comment: The p.C22F variant (also known as c.65G>T), located in coding exon 1 of the SDHB gene, results from a G to T substitution at nucleotide position 65. The cysteine at codon 22 is replaced by phenylalanine, an amino acid with highly dissimilar properties. This variant was reported in individual(s) with features consistent with SDHB-related paraganglioma-pheochromocytoma syndrome (Ben Aim L et al. J Med Genet, 2022 Aug;59:785-792). However, this variant has also been detected in multiple individuals with no reported features of SDHB-related paraganglioma-pheochromocytoma syndrome (Ambry internal data). This amino acid position is not well conserved in available vertebrate species. In addition, the in silico prediction for this alteration is inconclusive. Based on the available evidence, the clinical significance of this variant remains unclear.

All of Us Research Program, National Institutes of Health
Classification: Uncertain significance for Hereditary pheochromocytoma and paraganglioma. Last evaluated: 2023-12-01. Review status: criteria provided, single submitter. Criteria: ACMG Guidelines, 2015. Collection method: clinical testing. Allele origin: germline. Inheritance: Autosomal dominant inheritance. Observed: 2 variant alleles, 2 heterozygotes.
Comment: This study involves interpretation of variants in research participants for the purpose of population health screening. Participant phenotype was not available at the time of variant classification. Additional details can be found in publication PMID: 35346344, PMCID: PMC8962531

GeneDx
Classification: Uncertain significance. Last evaluated: 2023-08-27. Review status: criteria provided, single submitter. Criteria: GeneDx Variant Classification Process June 2021. Collection method: clinical testing. Allele origin: germline. Affected: yes.
Comment: Not observed at significant frequency in large population cohorts (gnomAD); In silico analysis supports that this missense variant does not alter protein structure/function; Identified in individuals with pheochromocytomas and/or paragangliomas (Garrett et al., 2022); This variant is associated with the following publications: (PMID: 34906457)

Department of Pathology and Laboratory Medicine, Sinai Health System
Classification: Uncertain significance for Pheochromocytoma/paraganglioma syndrome 4; Gastrointestinal stromal tumor; Carney-Stratakis syndrome; Mitochondrial complex 2 deficiency, nuclear type 4. Last evaluated: 2020-05-08. Review status: criteria provided, single submitter. Criteria: ACMG Guidelines, 2015. Collection method: research. Allele origin: germline.

Illumina Laboratory Services, Illumina
Classification: Uncertain significance for Hereditary Paraganglioma-Pheochromocytoma Syndromes. Last evaluated: 2018-01-13. Review status: criteria provided, single submitter. Criteria: ICSL Variant Classification Criteria 13 December 2019. Collection method: clinical testing. Allele origin: germline.

Illumina Laboratory Services, Illumina
Classification: Uncertain significance for Carney-Stratakis syndrome. Last evaluated: 2018-01-13. Review status: criteria provided, single submitter. Criteria: ICSL Variant Classification Criteria 13 December 2019. Collection method: clinical testing. Allele origin: germline.

Breakthrough Genomics
Classification: Uncertain significance. Review status: criteria provided, single submitter. Criteria: ACMG Guidelines, 2015. Collection method: not provided. Allele origin: germline. Inheritance: Autosomal recessive inheritance. Affected: yes.

Literature cited by the submitters: PubMed 34906457 (cited by Labcorp Genetics (formerly Invitae), Labcorp); PubMed 34452955 (cited by Ambry Genetics).